The following is an entry in ClinVar:

NM_020806.5(GPHN):c.1429G>C (p.Glu477Gln)

Gene: GPHN (gephyrin; plus strand). Cytogenetic location: 14q23.3.
Variant type: single nucleotide variant.
Coding change: c.1429G>C on transcript NM_020806.5 (MANE Select); coding-DNA position 1429, G replaced by C.
Protein change: p.Glu477Gln; replaces glutamic acid 477 with glutamine.
Molecular consequence: missense variant.
Genome position (GRCh38, 1-based): chr14:67,111,876, G>C. VCF-style: chr14-67111876-G-C. GRCh37 (hg19) VCF-style: chr14-67578593-G-C.
Other names: c.1330G>C, p.Glu444Gln (NM_001024218.2); c.1489G>C, p.Glu497Gln (NM_001377514.1); c.1459G>C, p.Glu487Gln (NM_001377515.1); c.1450G>C, p.Glu484Gln (NM_001377516.1); c.1402G>C, p.Glu468Gln (NM_001377517.1); c.1387G>C, p.Glu463Gln (NM_001377518.1); c.1369G>C, p.Glu457Gln (NM_001377519.1); short protein forms E468Q, E477Q, E497Q, E444Q, E487Q, E457Q, E463Q, E484Q.
Identifiers: ClinVar variation 2753432 (VCV002753432.3), dbSNP rs2543394980, ClinGen allele CA390258208.

ClinVar aggregate classification (germline): Uncertain significance (1 of 4 stars; one submission).

Conditions:
Sulfite oxidase deficiency due to molybdenum cofactor deficiency type C. Also called: Molybdenum cofactor deficiency, complementation group C; Molybdenum cofactor deficiency C. Identifiers: Orphanet 308400, Orphanet 833, MedGen C1854990, MONDO:0014212, OMIM 615501.

Allele frequency attached by ClinVar (database versions not stated): gnomAD exomes below 0.00001.
gnomAD v4.1: 1 of 1,613,200 alleles (0.000062%); highest among the groups gnomAD compares: Non-Finnish European, 0.000085%; no homozygotes.

Submission:

Labcorp Genetics (formerly Invitae), Labcorp
Classification: Uncertain significance for Sulfite oxidase deficiency due to molybdenum cofactor deficiency type C. Last evaluated: 2023-08-17. Review status: criteria provided, single submitter. Criteria: Invitae Variant Classification Sherloc (09022015). Collection method: clinical testing. Allele origin: germline.
Comment: This sequence change replaces glutamic acid, which is acidic and polar, with glutamine, which is neutral and polar, at codon 477 of the GPHN protein (p.Glu477Gln). This variant is not present in population databases (gnomAD no frequency). This variant has not been reported in the literature in individuals affected with GPHN-related conditions. Advanced modeling of protein sequence and biophysical properties (such as structural, functional, and spatial information, amino acid conservation, physicochemical variation, residue mobility, and thermodynamic stability) performed at Invitae indicates that this missense variant is not expected to disrupt GPHN protein function. In summary, the available evidence is currently insufficient to determine the role of this variant in disease. Therefore, it has been classified as a Variant of Uncertain Significance.